The following is an entry in ClinVar:

ClinVar aggregate classification (germline): Conflicting classifications of pathogenicity. Review status: criteria provided, conflicting classifications (1 of 4 stars). 3 submissions from 3 submitters: Uncertain significance (2); Likely benign (1). Last evaluated 2025-08-27.

Conditions:
Inborn genetic diseases. Identifiers: MedGen C0950123, MeSH D030342.

gnomAD v4.1: 6 of 1,612,292 alleles (0.00037%); highest among the groups gnomAD compares: Admixed American, 0.0017%; no homozygotes.

Submissions (3):

Ambry Genetics
Classification: Uncertain significance for Inborn genetic diseases. Last evaluated: 2025-08-27. Review status: criteria provided, single submitter. Criteria: Ambry Variant Classification Scheme 2023. Collection method: clinical testing. Allele origin: germline.

Labcorp Genetics (formerly Invitae), Labcorp
Classification: Uncertain significance. Last evaluated: 2025-08-11. Review status: criteria provided, single submitter. Criteria: Invitae Variant Classification Sherloc (09022015). Collection method: clinical testing. Allele origin: germline.
Comment: This sequence change replaces arginine, which is basic and polar, with proline, which is neutral and non-polar, at codon 250 of the GRIN2D protein (p.Arg250Pro). This variant is present in population databases (no rsID available, gnomAD 0.007%). This variant has not been reported in the literature in individuals affected with GRIN2D-related conditions. ClinVar contains an entry for this variant (Variation ID: 1985084). Invitae Evidence Modeling of protein sequence and biophysical properties (such as structural, functional, and spatial information, amino acid conservation, physicochemical variation, residue mobility, and thermodynamic stability) indicates that this missense variant is not expected to disrupt GRIN2D protein function with a negative predictive value of 80%. In summary, the available evidence is currently insufficient to determine the role of this variant in disease. Therefore, it has been classified as a Variant of Uncertain Significance.

CeGaT Center for Human Genetics Tuebingen
Classification: Likely benign. Last evaluated: 2023-01-01. Review status: criteria provided, single submitter. Criteria: CeGaT Center For Human Genetics Tuebingen Variant Classification Criteria Version 2. Collection method: clinical testing. Allele origin: germline. Affected: yes. Observed: 1 variant allele.
Comment: GRIN2D: PP2, BS2

NM_000836.4(GRIN2D):c.749G>C (p.Arg250Pro)

Gene: GRIN2D (glutamate ionotropic receptor NMDA type subunit 2D; plus strand). Cytogenetic location: 19q13.33.
Variant type: single nucleotide variant.
Coding change: c.749G>C on transcript NM_000836.4 (MANE Select); coding-DNA position 749, G replaced by C.
Protein change: p.Arg250Pro; replaces arginine 250 with proline.
Molecular consequence: missense variant.
Genome position (GRCh38, 1-based): chr19:48,405,017, G>C. VCF-style: chr19-48405017-G-C. GRCh37 (hg19) VCF-style: chr19-48908274-G-C.
Other names: c.749G>C (NM_000836.2); short protein forms R250P.
Identifiers: ClinVar variation 1985084 (VCV001985084.29), dbSNP rs1340279718, ClinGen allele CA406692132.